The following is an entry in ClinVar:

NM_032043.3(BRIP1):c.2510del (p.Asn837fs)

Gene: BRIP1 (BRCA1 interacting DNA helicase 1; minus strand). Cytogenetic location: 17q23.2.
Variant type: Deletion.
Coding change: c.2510del on transcript NM_032043.3 (MANE Select); coding-DNA position 2510, one base deleted (A; older notation c.2510delA).
Protein change: p.Asn837fs; shifts the reading frame from asparagine 837.
Molecular consequence: frameshift variant.
Genome position (GRCh38, 1-based): chr17:61,693,495, T deleted on the plus strand (A on the coding strand, the reverse complement: BRIP1 is on the minus strand); the first of 3 consecutive T bases (chr17:61,693,495-61,693,497); deleting any one gives the same sequence. VCF-style (leftmost placement, unchanged base first): chr17-61693494-AT-A. GRCh37 (hg19) VCF-style: chr17-59770855-AT-A.
Other names: short protein forms N837fs.
Identifiers: ClinVar variation 1460180 (VCV001460180.8), dbSNP rs2144187480, ClinGen allele CA2573154276.

ClinVar aggregate classification (germline): Pathogenic. Review status: criteria provided, multiple submitters, no conflicts (2 of 4 stars). 2 submissions from 2 submitters: Pathogenic (2). Last evaluated 2024-06-04.

Conditions:
Familial cancer of breast. Also called: Hereditary breast cancer; BREAST CANCER, FAMILIAL; hereditary breast carcinoma. Identifiers: Orphanet 227535, MedGen C0346153, MONDO:0016419, OMIM 114480. Disease mechanism: loss of function.
Fanconi anemia complementation group J. Also called: BRIP1-Related Fanconi Anemia. Identifiers: Orphanet 84, MedGen C1836860, MONDO:0012187, OMIM 609054.
Hereditary breast ovarian cancer syndrome. Also called: Hereditary breast and ovarian cancer syndrome; Hereditary breast and ovarian cancer; Hereditary breast and ovarian cancer syndrome (HBOC); Hereditary breast and/or ovarian cancer syndrome; Breast and ovarian cancer; BRCA1- and BRCA2-Associated Hereditary Breast and Ovarian Cancer. Identifiers: Orphanet 145, MedGen C0677776, MeSH D061325, MONDO:0003582. Disease mechanism: loss of function.

Submissions (2):

Department of Pathology and Laboratory Medicine, Sinai Health System
Classification: Pathogenic for Hereditary breast ovarian cancer syndrome. Last evaluated: 2024-06-04. Review status: criteria provided, single submitter. Criteria: ACMG Guidelines, 2015. Collection method: clinical testing. Allele origin: germline. Affected: yes.

Labcorp Genetics (formerly Invitae), Labcorp
Classification: Pathogenic for Familial cancer of breast; Fanconi anemia complementation group J. Last evaluated: 2022-09-06. Review status: criteria provided, single submitter. Criteria: Invitae Variant Classification Sherloc (09022015). Collection method: clinical testing. Allele origin: germline.
Comment: For these reasons, this variant has been classified as Pathogenic. ClinVar contains an entry for this variant (Variation ID: 1460180). This variant has not been reported in the literature in individuals affected with BRIP1-related conditions. This variant is not present in population databases (gnomAD no frequency). This sequence change creates a premature translational stop signal (p.Asn837Metfs*8) in the BRIP1 gene. It is expected to result in an absent or disrupted protein product. Loss-of-function variants in BRIP1 are known to be pathogenic (PMID: 16116423, 17033622, 21964575).

Literature cited by the submitters: PubMed 16116423 (cited by Labcorp Genetics (formerly Invitae), Labcorp); PubMed 17033622 (cited by Labcorp Genetics (formerly Invitae), Labcorp); PubMed 21964575 (cited by Labcorp Genetics (formerly Invitae), Labcorp).